The following is an entry in ClinVar:

ClinVar aggregate classification (germline): Uncertain significance (1 of 4 stars; one submission).

Conditions:
Diffuse cerebral and cerebellar atrophy - intractable seizures - progressive microcephaly syndrome. Also called: Microcephaly, progressive, with seizures and cerebral and cerebellar atrophy. Identifiers: Orphanet 404437, MedGen C4014239, MONDO:0014335, OMIM 615760.

Allele frequency attached by ClinVar (database versions not stated): 1000 Genomes Project 30x 0.00031; 1000 Genomes Project 0.00040.
gnomAD v4.1: 6 of 1,614,180 alleles (0.00037%); highest among the groups gnomAD compares: South Asian, 0.0033%; no homozygotes.

Submission:

Labcorp Genetics (formerly Invitae), Labcorp
Classification: Uncertain significance for Diffuse cerebral and cerebellar atrophy - intractable seizures - progressive microcephaly syndrome. Last evaluated: 2024-01-22. Review status: criteria provided, single submitter. Criteria: Invitae Variant Classification Sherloc (09022015). Collection method: clinical testing. Allele origin: germline.
Comment: This sequence change replaces arginine, which is basic and polar, with glutamine, which is neutral and polar, at codon 419 of the QARS protein (p.Arg419Gln). This variant is present in population databases (rs538483140, gnomAD 0.01%). This variant has not been reported in the literature in individuals affected with QARS-related conditions. Advanced modeling of protein sequence and biophysical properties (such as structural, functional, and spatial information, amino acid conservation, physicochemical variation, residue mobility, and thermodynamic stability) has been performed at Invitae for this missense variant, however the output from this modeling did not meet the statistical confidence thresholds required to predict the impact of this variant on QARS protein function. In summary, the available evidence is currently insufficient to determine the role of this variant in disease. Therefore, it has been classified as a Variant of Uncertain Significance.

NM_005051.3(QARS1):c.1256G>A (p.Arg419Gln)

Gene: QARS1 (glutaminyl-tRNA synthetase 1; minus strand). Cytogenetic location: 3p21.31.
Variant type: single nucleotide variant.
Coding change: c.1256G>A on transcript NM_005051.3 (MANE Select); coding-DNA position 1256, G replaced by A.
Protein change: p.Arg419Gln; replaces arginine 419 with glutamine.
Molecular consequence: missense variant. On other transcripts: non-coding transcript variant (1).
Genome position (GRCh38, 1-based): chr3:49,100,000, C>T on the plus strand (G>A on the coding strand, the complement: QARS1 is on the minus strand). VCF-style: chr3-49100000-C-T. GRCh37 (hg19) VCF-style: chr3-49137433-C-T.
Other names: c.1223G>A, p.Arg408Gln (NM_001272073.2); short protein forms R419Q, R408Q.
Identifiers: ClinVar variation 2880880 (VCV002880880.3), dbSNP rs538483140, ClinGen allele CA2391836.